The following is an entry in ClinVar:

NM_006012.4(CLPP):c.442G>A (p.Val148Met)

Gene: CLPP (caseinolytic mitochondrial matrix peptidase proteolytic subunit; plus strand). Cytogenetic location: 19p13.3.
Variant type: single nucleotide variant.
Coding change: c.442G>A on transcript NM_006012.4 (MANE Select); coding-DNA position 442, G replaced by A.
Protein change: p.Val148Met; replaces valine 148 with methionine.
Molecular consequence: missense variant.
Genome position (GRCh38, 1-based): chr19:6,364,526, G>A. VCF-style: chr19-6364526-G-A. GRCh37 (hg19) VCF-style: chr19-6364537-G-A.
Other names: c.442G>A (NM_006012.2); short protein forms V148M.
Identifiers: ClinVar variation 500689 (VCV000500689.8), dbSNP rs987500770, ClinGen allele CA304755738.

ClinVar aggregate classification (germline): Uncertain significance. Review status: criteria provided, multiple submitters, no conflicts (2 of 4 stars). 3 submissions from 3 submitters: Uncertain significance (3). Last evaluated 2026-01-13.

Conditions:
Inborn genetic diseases. Identifiers: MedGen C0950123, MeSH D030342.

Allele frequency attached by ClinVar (database versions not stated): gnomAD exomes below 0.00001.

Submissions (3):

Labcorp Genetics (formerly Invitae), Labcorp
Classification: Uncertain significance. Last evaluated: 2026-01-13. Review status: criteria provided, single submitter. Criteria: Invitae Variant Classification Sherloc (09022015). Collection method: clinical testing. Allele origin: germline.
Comment: This sequence change replaces valine, which is neutral and non-polar, with methionine, which is neutral and non-polar, at codon 148 of the CLPP protein (p.Val148Met). This variant is present in population databases (no rsID available, gnomAD 0.007%). This variant has not been reported in the literature in individuals affected with CLPP-related conditions. ClinVar contains an entry for this variant (Variation ID: 500689). Invitae Evidence Modeling of protein sequence and biophysical properties (such as structural, functional, and spatial information, amino acid conservation, physicochemical variation, residue mobility, and thermodynamic stability) indicates that this missense variant is not expected to disrupt CLPP protein function with a negative predictive value of 80%. In summary, the available evidence is currently insufficient to determine the role of this variant in disease. Therefore, it has been classified as a Variant of Uncertain Significance.

Ambry Genetics
Classification: Uncertain significance for Inborn genetic diseases. Last evaluated: 2020-12-15. Review status: criteria provided, single submitter. Criteria: Ambry Variant Classification Scheme 2023. Collection method: clinical testing. Allele origin: germline.
Comment: The c.442G>A (p.V148M) alteration is located in exon 4 (coding exon 4) of the CLPP gene. This alteration results from a G to A substitution at nucleotide position 442, causing the valine (V) at amino acid position 148 to be replaced by a methionine (M). The in silico prediction for the p.V148M alteration is inconclusive. Based on insufficient or conflicting evidence, the clinical significance of this alteration remains unclear.

Eurofins Ntd Llc (ga)
Classification: Uncertain significance. Last evaluated: 2017-03-02. Review status: criteria provided, single submitter. Criteria: EGL Classification Definitions 2015. Collection method: clinical testing. Allele origin: germline. Observed: 1 variant allele, 1 heterozygote.